The following is an entry in ClinVar:

NM_018942.3(HMX1):c.301G>T (p.Gly101Cys)

Gene: HMX1 (H6 family homeobox 1; minus strand). Cytogenetic location: 4p16.1.
Variant type: single nucleotide variant.
Coding change: c.301G>T on transcript NM_018942.3 (MANE Select); coding-DNA position 301, G replaced by T.
Protein change: p.Gly101Cys; replaces glycine 101 with cysteine.
Molecular consequence: missense variant.
Genome position (GRCh38, 1-based): chr4:8,871,314, C>A on the plus strand (G>T on the coding strand, the complement: HMX1 is on the minus strand). VCF-style: chr4-8871314-C-A. GRCh37 (hg19) VCF-style: chr4-8873040-C-A.
Other names: c.301G>T, p.Gly101Cys (NM_001306142.2); c.301G>T (NM_018942.2); short protein forms G101C.
Identifiers: ClinVar variation 1014495 (VCV001014495.7), dbSNP rs1722208475, ClinGen allele CA356278911.

ClinVar aggregate classification (germline): Uncertain significance. Review status: criteria provided, multiple submitters, no conflicts (2 of 4 stars). 2 submissions from 2 submitters: Uncertain significance (2). Last evaluated 2024-07-10.

Conditions:
Inborn genetic diseases. Identifiers: MedGen C0950123, MeSH D030342.

Allele frequency attached by ClinVar (database versions not stated): gnomAD 0.00001.
gnomAD v4.1: 53 of 1,384,724 alleles (0.0038%); highest among the groups gnomAD compares: Non-Finnish European, 0.0048%; no homozygotes.

Submissions (2):

Ambry Genetics
Classification: Uncertain significance for Inborn genetic diseases. Last evaluated: 2024-07-10. Review status: criteria provided, single submitter. Criteria: Ambry Variant Classification Scheme 2023. Collection method: clinical testing. Allele origin: germline.

Labcorp Genetics (formerly Invitae), Labcorp
Classification: Uncertain significance. Last evaluated: 2022-07-06. Review status: criteria provided, single submitter. Criteria: Invitae Variant Classification Sherloc (09022015). Collection method: clinical testing. Allele origin: germline.
Comment: This sequence change replaces glycine, which is neutral and non-polar, with cysteine, which is neutral and slightly polar, at codon 101 of the HMX1 protein (p.Gly101Cys). This variant is not present in population databases (gnomAD no frequency). This variant has not been reported in the literature in individuals affected with HMX1-related conditions. ClinVar contains an entry for this variant (Variation ID: 1014495). Algorithms developed to predict the effect of missense changes on protein structure and function output the following: SIFT: "Deleterious"; PolyPhen-2: "Not Available"; Align-GVGD: "Class C0". The cysteine amino acid residue is found in multiple mammalian species, which suggests that this missense change does not adversely affect protein function. In summary, the available evidence is currently insufficient to determine the role of this variant in disease. Therefore, it has been classified as a Variant of Uncertain Significance.